The following is an entry in ClinVar:

ClinVar aggregate classification (germline): Uncertain significance (1 of 4 stars; one submission).

gnomAD v4.1: 195 of 1,613,750 alleles (0.012%); highest among the groups gnomAD compares: Non-Finnish European, 0.016%; no homozygotes.

Submission:

Mayo Clinic Laboratories, Mayo Clinic
Classification: Uncertain significance. Last evaluated: 2023-08-01. Review status: criteria provided, single submitter. Criteria: ACMG Guidelines, 2015. Collection method: clinical testing. Allele origin: germline. Observed: 1 variant allele.
Comment: BP4

NM_012088.3(PGLS):c.502C>T (p.Arg168Trp)

Gene: PGLS (6-phosphogluconolactonase; plus strand). Cytogenetic location: 19p13.11.
Variant type: single nucleotide variant.
Coding change: c.502C>T on transcript NM_012088.3 (MANE Select); coding-DNA position 502, C replaced by T.
Protein change: p.Arg168Trp; replaces arginine 168 with tryptophan.
Molecular consequence: missense variant.
Genome position (GRCh38, 1-based): chr19:17,517,713, C>T. VCF-style: chr19-17517713-C-T. GRCh37 (hg19) VCF-style: chr19-17628522-C-T.
Other names: p.Arg168Trp; short protein forms R168W.
Identifiers: ClinVar variation 3380601 (VCV003380601.1).